The following is an entry in ClinVar:

ClinVar aggregate classification (germline): Likely pathogenic (1 of 4 stars; one submission).

Conditions:
alpha Thalassemia. Also called: Alpha thalassemia spectrum. Identifiers: Orphanet 846, MedGen C0002312, MONDO:0011399, OMIM 604131.

Submission:

Natera, Inc.
Classification: Likely pathogenic for Alpha thalassemia. Last evaluated: 2025-07-23. Review status: criteria provided, single submitter. Criteria: Natera Variant Classification Schema (03/2026). Collection method: clinical testing. Allele origin: germline.
Comment: The c.119_120insTT variant in HBA2 is a frameshift variant predicted to shift the reading frame beginning at codon 41 and leads to a stop codon 10 codons downstream. This variant is expected to result in nonsense mediated decay, truncation, or a dysfunctional protein product. This variant is rare in the general population with a frequency below the threshold expected for the associated phenotype(s). Given the available evidence, this variant is classified as Likely Pathogenic.

NM_000517.6(HBA2):c.119_120insTT (p.Lys41fs)

Genes: HBA2 (hemoglobin subunit alpha 2; plus strand), LOC106804612 (hemoglobin subunit alpha 2 recombination region; plus strand). Cytogenetic location: 16p13.3.
Variant type: Insertion.
Coding change: c.119_120insTT on transcript NM_000517.6 (MANE Select); coding-DNA positions 119 to 120, TT inserted.
Protein change: p.Lys41fs; shifts the reading frame from lysine 41.
Molecular consequence: frameshift variant.
Genome position: GRCh38 VCF-style: chr16-173148-C-CTT. GRCh37 (hg19) VCF-style: chr16-223147-C-CTT.
Other names: short protein forms K41fs.
Identifiers: ClinVar variation 4818616 (VCV004818616.1).